The following is an entry in ClinVar:

ClinVar aggregate classification (germline): Uncertain significance (1 of 4 stars; one submission).

Conditions:
Giant axonal neuropathy 1 (GAN1). Also called: GAN-Related Neurodegeneration; GIANT AXONAL NEUROPATHY 1, AUTOSOMAL RECESSIVE. Identifiers: Orphanet 643, MedGen C1850386, MONDO:0009749, OMIM 256850.

gnomAD v4.1: 1 of 1,614,114 alleles (0.000062%); highest among the groups gnomAD compares: Admixed American, 0.0017%; no homozygotes.

Submission:

Labcorp Genetics (formerly Invitae), Labcorp
Classification: Uncertain significance for Giant axonal neuropathy 1. Last evaluated: 2019-09-06. Review status: criteria provided, single submitter. Criteria: Invitae Variant Classification Sherloc (09022015). Collection method: clinical testing. Allele origin: germline.
Comment: In summary, the available evidence is currently insufficient to determine the role of this variant in disease. Therefore, it has been classified as a Variant of Uncertain Significance. Algorithms developed to predict the effect of missense changes on protein structure and function are either unavailable or do not agree on the potential impact of this missense change (SIFT: "Tolerated"; PolyPhen-2: "Probably Damaging"; Align-GVGD: "Class C0"). This variant has not been reported in the literature in individuals with GAN-related conditions. This variant is not present in population databases (ExAC no frequency). This sequence change replaces leucine with arginine at codon 113 of the GAN protein (p.Leu113Arg). The leucine residue is highly conserved and there is a moderate physicochemical difference between leucine and arginine.

NM_022041.4(GAN):c.338T>G (p.Leu113Arg)

Gene: GAN (gigaxonin; plus strand). Cytogenetic location: 16q23.2.
Variant type: single nucleotide variant.
Coding change: c.338T>G on transcript NM_022041.4 (MANE Select); coding-DNA position 338, T replaced by G.
Protein change: p.Leu113Arg; replaces leucine 113 with arginine.
Molecular consequence: missense variant. On other transcripts: 5 prime UTR variant (1).
Genome position (GRCh38, 1-based): chr16:81,354,460, T>G. VCF-style: chr16-81354460-T-G. GRCh37 (hg19) VCF-style: chr16-81388065-T-G.
Other names: c.-302T>G (NM_001377486.1); short protein forms L113R.
Identifiers: ClinVar variation 954301 (VCV000954301.9), dbSNP rs1910417649, ClinGen allele CA396867508.